The following is an entry in ClinVar:

NM_001378609.3(OTOGL):c.3555C>T (p.Tyr1185=)

Gene: OTOGL (otogelin like; plus strand). Cytogenetic location: 12q21.31.
Variant type: single nucleotide variant.
Coding change: c.3555C>T on transcript NM_001378609.3 (MANE Select); coding-DNA position 3555, C replaced by T.
Protein change: p.Tyr1185=; no amino-acid change (tyrosine 1185 retained).
Molecular consequence: synonymous variant.
Genome position (GRCh38, 1-based): chr12:80,313,580, C>T. VCF-style: chr12-80313580-C-T. GRCh37 (hg19) VCF-style: chr12-80707360-C-T.
Other names: c.3420C>T, p.Tyr1140= (NM_001368062.3); c.3555C>T, p.Tyr1185= (NM_001378610.3, NM_173591.7).
Identifiers: ClinVar variation 227820 (VCV000227820.9), dbSNP rs374198258, ClinGen allele CA6701120.
Genomic context (GRCh38, chr12:80,313,580, plus strand): 5'-TAACTGCAATCTTGGTGGCGACTGTGAGTGTTTGTGCACTAGTATAGCTGCATATGCATA[C>T]AAGTGTTGTCAGGAAGGAATATCAATTCATTGGAGATCATCTACTGTTTGTTGTAAGTAC-3'
Protein context (NP_001365538.2, residues 1175-1195): CLCTSIAAYA[Tyr1185=]KCCQEGISIH

ClinVar aggregate classification (germline): Likely benign. Review status: criteria provided, multiple submitters, no conflicts (2 of 4 stars). 3 submissions from 3 submitters: Likely benign (3). Last evaluated 2025-12-16.

Allele frequency attached by ClinVar (database versions not stated): TOPMed 0.00005; ESP Exome Variant Server 0.00015; gnomAD 0.00016.
gnomAD v4.1: 81 of 1,612,628 alleles (0.005%); highest among the groups gnomAD compares: Non-Finnish European, 0.0066%; no homozygotes.

Submissions (3):

Labcorp Genetics (formerly Invitae), Labcorp
Classification: Likely benign. Last evaluated: 2025-12-16. Review status: criteria provided, single submitter. Criteria: Invitae Variant Classification Sherloc (09022015). Collection method: clinical testing. Allele origin: germline.

Blueprint Genetics
Classification: Likely benign. Last evaluated: 2024-10-24. Review status: criteria provided, single submitter. Criteria: ACMG Guidelines, 2015. Collection method: clinical testing. Allele origin: germline.

Laboratory for Molecular Medicine, Mass General Brigham Personalized Medicine
Classification: Likely benign. Last evaluated: 2015-04-24. Review status: criteria provided, single submitter. Criteria: LMM Criteria. Collection method: clinical testing. Allele origin: germline. Observed: 1 variant allele.
Comment: p.Tyr1176Tyr in exon 30 of OTOGL: This variant is not expected to have clinical significance because it does not alter an amino acid residue and is not located within the splice consensus sequence. It has been identified in 9/66706 European chromosomes by the Exome Aggregation Consortium (ExAC; dbSNP rs374198258).